The following is an entry in ClinVar:

ClinVar aggregate classification (germline): Uncertain significance (1 of 4 stars; one submission).

Conditions:
Developmental and epileptic encephalopathy, 36 (DEE36). Also called: Epileptic encephalopathy, early infantile, 36; ALG13-CDG; Congenital disorder of glycosylation, type Is. Identifiers: Orphanet 324422, MedGen C4317295, MONDO:0010472, OMIM 300884.

Allele frequency attached by ClinVar (database versions not stated): gnomAD exomes below 0.00001; TOPMed below 0.00001; gnomAD 0.00001.
gnomAD v4.1: 2 of 1,206,296 alleles (0.00017%); highest among the groups gnomAD compares: Non-Finnish European, 0.00022%; no homozygotes.

Submission:

Labcorp Genetics (formerly Invitae), Labcorp
Classification: Uncertain significance for Developmental and epileptic encephalopathy, 36. Last evaluated: 2022-02-23. Review status: criteria provided, single submitter. Criteria: Invitae Variant Classification Sherloc (09022015). Collection method: clinical testing. Allele origin: germline.
Comment: This variant is not present in population databases (gnomAD no frequency). This sequence change replaces proline, which is neutral and non-polar, with leucine, which is neutral and non-polar, at codon 1061 of the ALG13 protein (p.Pro1061Leu). This variant has not been reported in the literature in individuals affected with ALG13-related conditions. Algorithms developed to predict the effect of missense changes on protein structure and function are either unavailable or do not agree on the potential impact of this missense change (SIFT: "Tolerated"; PolyPhen-2: "Probably Damaging"; Align-GVGD: "Class C0"). In summary, the available evidence is currently insufficient to determine the role of this variant in disease. Therefore, it has been classified as a Variant of Uncertain Significance.

NM_001099922.3(ALG13):c.3182C>T (p.Pro1061Leu)

Gene: ALG13 (ALG13 UDP-N-acetylglucosaminyltransferase subunit; plus strand). Cytogenetic location: Xq23.
Variant type: single nucleotide variant.
Coding change: c.3182C>T on transcript NM_001099922.3 (MANE Select); coding-DNA position 3182, C replaced by T.
Protein change: p.Pro1061Leu; replaces proline 1061 with leucine.
Molecular consequence: missense variant. On other transcripts: non-coding transcript variant (1).
Genome position (GRCh38, 1-based): chrX:111,759,767, C>T. VCF-style: chrX-111759767-C-T. GRCh37 (hg19) VCF-style: chrX-111002995-C-T.
Other names: c.2633C>T, p.Pro878Leu (NM_001257230.2, NM_001257234.2, NM_001257237.2); c.2948C>T, p.Pro983Leu (NM_001257231.2); c.2945C>T, p.Pro982Leu (NM_001324292.2); c.2459C>T, p.Pro820Leu (NM_001324293.1); short protein forms P1061L, P820L, P982L, P983L, P878L.
Identifiers: ClinVar variation 2102351 (VCV002102351.4), dbSNP rs1456259198, ClinGen allele CA414293046.
Genomic context (GRCh38, chrX:111,759,767, plus strand): 5'-GTAGACTGTATACATCCTTTCTTTCAGATACTTTTCCGAATGCTGATTCTTCATCTGTCC[C>T]TCATGGAGCAGTCTATTATCCAGTAATGTCAGATCCCTATGGGCAGCCACCTTTGCCAGG-3'
Protein context (NP_001093392.1, residues 1051-1071): TFPNADSSSV[Pro1061Leu]HGAVYYPVMS